The following is an entry in ClinVar:

ClinVar aggregate classification (germline): Uncertain significance (1 of 4 stars; one submission).

gnomAD v4.1: 3 of 1,614,220 alleles (0.00019%); highest among the groups gnomAD compares: Non-Finnish European, 0.00025%; no homozygotes.

Submission:

GeneDx
Classification: Uncertain significance. Last evaluated: 2026-03-10. Review status: criteria provided, single submitter. Criteria: GeneDx Variant Classification Process June 2021. Collection method: clinical testing. Allele origin: germline.
Comment: Not observed at significant frequency in large population cohorts (gnomAD); In silico analysis suggests that this missense variant does not alter protein structure/function; Has not been previously published as pathogenic or benign to our knowledge

NM_032892.5(FRMD5):c.1409C>T (p.Thr470Ile)

Gene: FRMD5 (FERM domain containing 5; minus strand). Cytogenetic location: 15q15.3.
Variant type: single nucleotide variant.
Coding change: c.1409C>T on transcript NM_032892.5 (MANE Select); coding-DNA position 1409, C replaced by T.
Protein change: p.Thr470Ile; replaces threonine 470 with isoleucine.
Molecular consequence: missense variant. On other transcripts: non-coding transcript variant (1).
Genome position (GRCh38, 1-based): chr15:43,874,189, G>A on the plus strand (C>T on the coding strand, the complement: FRMD5 is on the minus strand). VCF-style: chr15-43874189-G-A. GRCh37 (hg19) VCF-style: chr15-44166387-G-A.
Other names: c.1127C>T, p.Thr376Ile (NM_001286490.2); c.707C>T, p.Thr236Ile (NM_001286491.2); c.1409C>T, p.Thr470Ile (NM_001322949.2, NM_001322950.2, NM_001411124.1); c.1304C>T, p.Thr435Ile (NM_001322951.2); short protein forms T435I, T236I, T376I, T470I.
Identifiers: ClinVar variation 5009021 (VCV005009021.1).
Genomic context (GRCh38, chr15:43,874,189, plus strand): 5'-TCGGGCCCGCTGTGCCCCTGACACAGGGCCCTCAGCTCTCCCCCAAGGGCCTCCACCTCT[G>A]TAGCAGTTGGGGTGCTGGCTTCAGATTCCTTCTCCTCCTCAATGCTGCAGGTGGCTCCAT-3'
Protein context (NP_116281.2, residues 460-480): KESEASTPTA[Thr470Ile]EVEALGGELR